The following is an entry in ClinVar:

NM_001830.4(CLCN4):c.822C>T (p.Gly274=)

Gene: CLCN4 (Cl-/H+ antiporter 4; plus strand). Cytogenetic location: Xp22.2.
Variant type: single nucleotide variant.
Coding change: c.822C>T on transcript NM_001830.4 (MANE Select); coding-DNA position 822, C replaced by T.
Protein change: p.Gly274=; no amino-acid change (glycine 274 retained).
Molecular consequence: synonymous variant.
Genome position (GRCh38, 1-based): chrX:10,206,755, C>T. VCF-style: chrX-10206755-C-T. GRCh37 (hg19) VCF-style: chrX-10174795-C-T.
Other names: c.540C>T, p.Gly180= (NM_001256944.2).
Identifiers: ClinVar variation 547063 (VCV000547063.54), dbSNP rs748967139, ClinGen allele CA10347136.

ClinVar aggregate classification (germline): Conflicting classifications of pathogenicity. Review status: criteria provided, conflicting classifications (1 of 4 stars). 3 submissions from 3 submitters: Uncertain significance (2); Benign (1). Last evaluated 2024-11-18.

Allele frequency attached by ClinVar (database versions not stated): gnomAD 0.00003 and 0.00004; gnomAD exomes 0.00003 and 0.00005; ExAC 0.00005; TOPMed 0.00005.
gnomAD v4.1: 54 of 1,201,820 alleles (0.0045%); highest among the groups gnomAD compares: Middle Eastern, 0.023%; no homozygotes.

Submissions (4):

Labcorp Genetics (formerly Invitae), Labcorp
Classification: Benign. Last evaluated: 2024-11-18. Review status: criteria provided, single submitter. Criteria: Invitae Variant Classification Sherloc (09022015). Collection method: clinical testing. Allele origin: germline.

GeneDx
Classification: Uncertain significance. Last evaluated: 2020-07-02. Review status: criteria provided, single submitter. Criteria: GeneDx Variant Classification Process June 2021. Collection method: clinical testing. Allele origin: germline. Affected: yes.
Comment: Has not been previously published as pathogenic or benign to our knowledge; In silico analysis suggests this variant may impact gene splicing. In the absence of RNA/functional studies, the actual effect of this sequence change is unknown.

CeGaT Center for Human Genetics Tuebingen
Classification: Uncertain significance. Last evaluated: 2018-02-01. Review status: criteria provided, single submitter. Criteria: CeGaT Center For Human Genetics Tuebingen Variant Classification Criteria Version 2. Collection method: clinical testing. Allele origin: germline. Affected: yes. Observed: 1 variant allele.

Dr. Peter K. Rogan Lab, Western University
No classification provided (evidence only). Condition: Thyroid cancer, nonmedullary, 1. Review status: no classification provided. Collection method: in vitro. Allele origin: not applicable. Functional consequence: retained intron. Not counted in ClinVar's aggregate classification.